The following is an entry in ClinVar:

NM_052947.4(ALPK2):c.4792C>G (p.Pro1598Ala)

Genes: ALPK2 (alpha kinase 2; minus strand), LOC126862764 (BRD4-independent group 4 enhancer GRCh37_chr18:56202574-56203773; plus strand). Cytogenetic location: 18q21.31.
Variant type: single nucleotide variant.
Coding change: c.4792C>G on transcript NM_052947.4 (MANE Select); coding-DNA position 4792, C replaced by G.
Protein change: p.Pro1598Ala; replaces proline 1598 with alanine.
Molecular consequence: missense variant.
Genome position (GRCh38, 1-based): chr18:58,535,395, G>C on the plus strand (C>G on the coding strand, the complement: ALPK2 is on the minus strand). VCF-style: chr18-58535395-G-C. GRCh37 (hg19) VCF-style: chr18-56202627-G-C.
Other names: short protein forms P1598A.
Identifiers: ClinVar variation 3289881 (VCV003289881.1).
Genomic context (GRCh38, chr18:58,535,395, plus strand): 5'-CATTTCCTTCAGGAGATGAAGTACAAGGGAACCTGGTAAGATCAGGAGAAGAGGGCAAAG[G>C]TTTCCCACGCTCATTCTCAATAGTTCCCCTTTTCTGTGAAACAGGAAACACATACTGACG-3'
Protein context (NP_443179.3, residues 1588-1608): RGTIENERGK[Pro1598Ala]LPSSPDLTRF

ClinVar aggregate classification (germline): Uncertain significance (1 of 4 stars; one submission).

gnomAD v4.1: 1 of 1,614,180 alleles (0.000062%); no homozygotes.

Submission:

Ambry Genetics
Classification: Uncertain significance. Last evaluated: 2024-03-27. Review status: criteria provided, single submitter. Criteria: Ambry Variant Classification Scheme 2023. Collection method: clinical testing. Allele origin: germline.
Comment: The p.P1598A variant (also known as c.4792C>G), located in coding exon 4 of the ALPK2 gene, results from a C to G substitution at nucleotide position 4792. The proline at codon 1598 is replaced by alanine, an amino acid with highly similar properties. This amino acid position is conserved. In addition, this alteration is predicted to be tolerated by in silico analysis. Based on the available evidence, the clinical significance of this alteration remains unclear.